The following is an entry in ClinVar:

NM_000235.4(LIPA):c.170A>T (p.Asp57Val)

Gene: LIPA (lipase A, lysosomal acid type; minus strand). Cytogenetic location: 10q23.31.
Variant type: single nucleotide variant.
Coding change: c.170A>T on transcript NM_000235.4 (MANE Select); coding-DNA position 170, A replaced by T.
Protein change: p.Asp57Val; replaces aspartic acid 57 with valine.
Molecular consequence: missense variant. On other transcripts: intron variant (1).
Genome position (GRCh38, 1-based): chr10:89,245,735, T>A on the plus strand (A>T on the coding strand, the complement: LIPA is on the minus strand). VCF-style: chr10-89245735-T-A. GRCh37 (hg19) VCF-style: chr10-91005492-T-A.
Other names: c.170A>T, p.Asp57Val (NM_001127605.3); c.-120+6002A>T (NM_001288979.2); short protein forms D57V.
Identifiers: ClinVar variation 695065 (VCV000695065.2), dbSNP rs768411839, ClinGen allele CA377518301.

ClinVar aggregate classification (germline): Likely pathogenic (1 of 4 stars; one submission).

Conditions:
Lysosomal acid lipase deficiency. Also called: Acid cholesteryl ester hydrolase deficiency, type 2. Identifiers: Orphanet 275761, MedGen C5574740, MONDO:0800449, MONDO:0010204.

Submission:

Alexion, Astrazeneca Rare Disease, Astrazeneca
Classification: Likely pathogenic for Lysosomal acid lipase deficiency. Last evaluated: 2019-06-01. Review status: criteria provided, single submitter. Criteria: ACMG Guidelines, 2015. Collection method: research. Allele origin: germline. Affected: yes.
Comment: ACMG PS3 criterion ascertained by in-vitro functional study, PMID:31180157

Literature cited by the submitters: PubMed 31180157; PubMed 24792990.